The following is an entry in ClinVar:

NM_000038.6(APC):c.6862C>G (p.Gln2288Glu)

Gene: APC (APC regulator of Wnt signaling pathway; plus strand). Cytogenetic location: 5q22.2.
Variant type: single nucleotide variant.
Coding change: c.6862C>G on transcript NM_000038.6 (MANE Select); coding-DNA position 6862, C replaced by G.
Protein change: p.Gln2288Glu; replaces glutamine 2288 with glutamic acid.
Molecular consequence: missense variant.
Genome position (GRCh38, 1-based): chr5:112,842,456, C>G. VCF-style: chr5-112842456-C-G. GRCh37 (hg19) VCF-style: chr5-112178153-C-G.
Other names: c.6862C>G, p.Gln2288Glu (NM_001127510.3, NM_001354895.2, NM_001407450.1); c.6808C>G, p.Gln2270Glu (NM_001127511.3); c.6916C>G, p.Gln2306Glu (NM_001354896.2, NM_001407447.1, NM_001407448.1 and 1 more transcripts); c.6892C>G, p.Gln2298Glu (NM_001354897.2); c.6787C>G, p.Gln2263Glu (NM_001354898.2); c.6778C>G, p.Gln2260Glu (NM_001354899.2); c.6739C>G, p.Gln2247Glu (NM_001354900.2); c.6685C>G, p.Gln2229Glu (NM_001354901.2, NM_001407453.1); and 11 more; short protein forms Q2162E, Q2260E, Q2270E, Q2281E, Q2005E, Q2197E, Q2205E, Q2247E.
Identifiers: ClinVar variation 1755847 (VCV001755847.2), dbSNP rs1415318567, ClinGen allele CA16036308.

ClinVar aggregate classification (germline): Uncertain significance (1 of 4 stars; one submission).

Conditions:
Hereditary cancer-predisposing syndrome. Also called: Neoplastic Syndromes, Hereditary; Tumor predisposition; Hereditary Cancer Syndrome; Hereditary neoplastic syndrome. Identifiers: Orphanet 140162, MedGen C0027672, MeSH D009386, MONDO:0015356.

gnomAD v4.1: 1 of 1,613,976 alleles (0.000062%); highest among the groups gnomAD compares: Non-Finnish European, 0.000085%; no homozygotes.

Submission:

Ambry Genetics
Classification: Uncertain significance for Hereditary cancer-predisposing syndrome. Last evaluated: 2024-01-11. Review status: criteria provided, single submitter. Criteria: Ambry Variant Classification Scheme 2023. Collection method: clinical testing. Allele origin: germline.
Comment: The p.Q2288E variant (also known as c.6862C>G), located in coding exon 15 of the APC gene, results from a C to G substitution at nucleotide position 6862. The glutamine at codon 2288 is replaced by glutamic acid, an amino acid with highly similar properties. This amino acid position is well conserved in available vertebrate species. In addition, in silico predictors for this gene do not accurately predict pathogenicity. Since supporting evidence is limited at this time, the clinical significance of this alteration remains unclear.